The following is an entry in ClinVar:

ClinVar aggregate classification (germline): Uncertain significance (1 of 4 stars; one submission).

Conditions:
Familial hypocalciuric hypercalcemia (FHH). Also called: Familial benign hypercalcemia. Identifiers: Orphanet 405, MedGen C1809471, MONDO:0018458.
Autosomal dominant hypocalcemia 1 (HYPOC1). Also called: HYPOCALCEMIA, FAMILIAL. Identifiers: MedGen C3715128, MONDO:0011013, OMIM 601198.

Allele frequency attached by ClinVar (database versions not stated): gnomAD exomes below 0.00001.
gnomAD v4.1: 1 of 1,614,184 alleles (0.000062%); highest among the groups gnomAD compares: Non-Finnish European, 0.000085%; no homozygotes.

Submission:

Labcorp Genetics (formerly Invitae), Labcorp
Classification: Uncertain significance for Familial hypocalciuric hypercalcemia; Autosomal dominant hypocalcemia 1. Last evaluated: 2022-11-10. Review status: criteria provided, single submitter. Criteria: Invitae Variant Classification Sherloc (09022015). Collection method: clinical testing. Allele origin: germline.
Comment: In summary, the available evidence is currently insufficient to determine the role of this variant in disease. Therefore, it has been classified as a Variant of Uncertain Significance. Algorithms developed to predict the effect of missense changes on protein structure and function are either unavailable or do not agree on the potential impact of this missense change (SIFT: "Deleterious"; PolyPhen-2: "Benign"; Align-GVGD: "Class C15"). This variant has not been reported in the literature in individuals affected with CASR-related conditions. This variant is not present in population databases (gnomAD no frequency). This sequence change replaces proline, which is neutral and non-polar, with leucine, which is neutral and non-polar, at codon 927 of the CASR protein (p.Pro927Leu).

NM_000388.4(CASR):c.2780C>T (p.Pro927Leu)

Gene: CASR (calcium sensing receptor; plus strand). Cytogenetic location: 3q21.1.
Variant type: single nucleotide variant.
Coding change: c.2780C>T on transcript NM_000388.4 (MANE Select); coding-DNA position 2780, C replaced by T.
Protein change: p.Pro927Leu; replaces proline 927 with leucine.
Molecular consequence: missense variant.
Genome position (GRCh38, 1-based): chr3:122,284,734, C>T. VCF-style: chr3-122284734-C-T. GRCh37 (hg19) VCF-style: chr3-122003581-C-T.
Other names: c.2810C>T, p.Pro937Leu (NM_001178065.2); short protein forms P927L, P937L.
Identifiers: ClinVar variation 2941478 (VCV002941478.3), dbSNP rs2473281883, ClinGen allele CA354160752.